The following is an entry in ClinVar:

NM_024298.5(MBOAT7):c.643G>T (p.Glu215Ter)

Gene: MBOAT7 (membrane bound acylglycerophosphatidylinositol O-acyltransferase MBOAT7; minus strand). Cytogenetic location: 19q13.42.
Variant type: single nucleotide variant.
Coding change: c.643G>T on transcript NM_024298.5 (MANE Select); coding-DNA position 643, G replaced by T.
Protein change: p.Glu215Ter; replaces glutamic acid 215 with a stop codon.
Molecular consequence: nonsense.
Genome position (GRCh38, 1-based): chr19:54,180,984, C>A on the plus strand (G>T on the coding strand, the complement: MBOAT7 is on the minus strand). VCF-style: chr19-54180984-C-A. GRCh37 (hg19) VCF-style: chr19-54684701-C-A.
Other names: c.424G>T, p.Glu142Ter (NM_001146056.3, NM_001146083.3); c.643G>T, p.Glu215Ter (NM_001146082.3); short protein forms E142*, E215*.
Identifiers: ClinVar variation 4851792 (VCV004851792.1).

ClinVar aggregate classification (germline): Likely pathogenic (1 of 4 stars; one submission).

Submission:

Dasa
Classification: Likely pathogenic. Last evaluated: 2025-12-10. Review status: criteria provided, single submitter. Criteria: DASA Assertion Criteria. Collection method: clinical testing. Allele origin: germline.
Comment: NM_024298.5(MBOAT7):c.643G>T (p.Glu215*) introduces a premature termination codon predicted to result in loss of normal protein function. Loss-of-function is an established mechanism of disease for this gene. The variant is present at low frequency in population datasets. Based on the available data, this variant is classified as likely pathogenic.